The following is an entry in ClinVar:

NM_152564.5(VPS13B):c.9331-1_9332delinsTTT

Gene: VPS13B (vacuolar protein sorting 13 homolog B; plus strand). Cytogenetic location: 8q22.2.
Variant type: Indel.
Coding change: c.9331-1_9332delinsTTT on transcript NM_152564.5 (MANE Select); the canonical splice acceptor site of the intron before coding-DNA position 9331 through coding-DNA position 9332, GTA replaced by TTT.
Molecular consequence: splice acceptor variant.
Genome position (GRCh38, 1-based): chr8:99,832,368-99,832,370, GTA replaced by TTT. VCF-style: chr8-99832368-GTA-TTT. GRCh37 (hg19) VCF-style: chr8-100844596-GTA-TTT.
Other names: c.9406-1_9407delinsTTT (NM_017890.5).
Identifiers: ClinVar variation 2691556 (VCV002691556.1), dbSNP rs2492092129, ClinGen allele CA2697550075.

ClinVar aggregate classification (germline): Pathogenic (1 of 4 stars; one submission).

Conditions:
Cohen syndrome (COH1). Also called: Cutis verticis gyrata, retinitis pigmentosa, and sensorineural deafness; PEPPER SYNDROME. Identifiers: Orphanet 193, MedGen C0265223, MONDO:0008999, OMIM 216550.

Submission:

Women's Health and Genetics/Laboratory Corporation of America, LabCorp
Classification: Pathogenic for Cohen syndrome. Last evaluated: 2023-12-08. Review status: criteria provided, single submitter. Criteria: LabCorp Variant Classification Summary - May 2015. Collection method: clinical testing. Allele origin: germline.
Comment: Variant summary: VPS13B c.9406-1_9407delinsTTT is located in a canonical splice-site and is predicted to affect mRNA splicing resulting in a significantly altered protein due to either exon skipping, shortening, or inclusion of intronic material. The variant is a multinucleotide combination of a pathogenic splice site variant (c.9406-1G>T) and an SNV (c.9407A>T). Several computational tools predict a significant impact on normal splicing: Four predict the variant abolishes a 3' acceptor site. Three predict the variant strengthens a cryptic 3' acceptor site. However, these predictions have yet to be confirmed by functional studies. The variant was absent in 70688 control chromosomes. No submitters have cited clinical-significance assessments for this variant to ClinVar after 2014. Based on the evidence outlined above, the variant was classified as pathogenic.